The following is an entry in ClinVar:

ClinVar aggregate classification (germline): Pathogenic/Likely pathogenic. Review status: criteria provided, multiple submitters, no conflicts (2 of 4 stars). 3 submissions from 3 submitters: Pathogenic (1); Likely pathogenic (2). Last evaluated 2024-09-09.

Conditions:
Hermansky-Pudlak syndrome (HPS). Also called: ALBINISM WITH HEMORRHAGIC DIATHESIS AND PIGMENTED RETICULOENDOTHELIAL CELLS. Identifiers: Orphanet 79430, MedGen C0079504, MONDO:0019312.

Submissions (3):

Natera, Inc.
Classification: Likely pathogenic for Hermansky-Pudlak syndrome. Last evaluated: 2024-09-09. Review status: criteria provided, single submitter. Criteria: Natera Variant Classification Schema (03/2026). Collection method: clinical testing. Allele origin: germline.
Comment: The c.238del variant in HPS1 is a frameshift variant predicted to shift the reading frame beginning at codon 80 and leads to a stop codon 44 codons downstream. This variant is expected to result in nonsense mediated decay, truncation, or a dysfunctional protein product. This variant is rare in the general population with a frequency below the threshold expected for the associated phenotype(s). Given the available evidence, this variant is classified as Likely Pathogenic.

Labcorp Genetics (formerly Invitae), Labcorp
Classification: Pathogenic. Last evaluated: 2022-12-21. Review status: criteria provided, single submitter. Criteria: Invitae Variant Classification Sherloc (09022015). Collection method: clinical testing. Allele origin: germline.
Comment: For these reasons, this variant has been classified as Pathogenic. ClinVar contains an entry for this variant (Variation ID: 853800). This variant has not been reported in the literature in individuals affected with HPS1-related conditions. This variant is present in population databases (no rsID available, gnomAD 0.0009%). This sequence change creates a premature translational stop signal (p.Leu80Cysfs*44) in the HPS1 gene. It is expected to result in an absent or disrupted protein product. Loss-of-function variants in HPS1 are known to be pathogenic (PMID: 12442288, 16185271).

Broad Center for Mendelian Genomics, Broad Institute of MIT and Harvard
Classification: Likely pathogenic for Hermansky-Pudlak syndrome. Last evaluated: 2021-12-10. Review status: criteria provided, single submitter. Criteria: ACMG Guidelines, 2015. Collection method: curation. Allele origin: germline. Inheritance: Autosomal recessive inheritance.
Comment: The p.Leu80fs variant in HPS1 has not been previously reported in individuals with Hermansky-Pudlak syndrome but has been identified in 0.0009% (1/113770) of European (non-Finnish) chromosomes by the Genome Aggregation Database (gnomAD; dbSNP ID: rs1453977337). Although this variant has been seen in the general population in a heterozygous state, its frequency is low enough to be consistent with a recessive carrier frequency. This variant has also been reported in ClinVar (Variation ID#: 853800) and has been interpreted as pathogenic by Invitae. This variant is predicted to cause a frameshift, which alters the protein’s amino acid sequence beginning at position 80 and leads to a premature termination codon 44 amino acids downstream. This alteration is then predicted to lead to a truncated or absent protein. Loss of function of the HPS1 gene is an established disease mechanism in autosomal recessive Hermansky-Pudlak syndrome. In summary, although additional studies are required to fully establish its clinical significance, this variant is likely pathogenic for autosomal recessive Hermansky-Pudlak syndrome. ACMG/AMP Criteria applied: PVS1, PM2 (Richards 2015).

Literature cited by the submitters: PubMed 12442288 (cited by Labcorp Genetics (formerly Invitae), Labcorp); PubMed 16185271 (cited by Labcorp Genetics (formerly Invitae), Labcorp).

NM_000195.5(HPS1):c.238del (p.Leu80fs)

Gene: HPS1 (HPS1 biogenesis of lysosomal organelles complex 3 subunit 1; minus strand). Cytogenetic location: 10q24.2.
Variant type: Deletion.
Coding change: c.238del on transcript NM_000195.5 (MANE Select); coding-DNA position 238, one base deleted (C; older notation c.238delC).
Protein change: p.Leu80fs; shifts the reading frame from leucine 80.
Molecular consequence: frameshift variant. On other transcripts: 5 prime UTR variant (3).
Genome position (GRCh38, 1-based): chr10:98,435,652, G deleted on the plus strand (C on the coding strand, the reverse complement: HPS1 is on the minus strand); the first of 2 consecutive G bases (chr10:98,435,652-98,435,653); deleting either gives the same sequence. VCF-style (leftmost placement, unchanged base first): chr10-98435651-AG-A. GRCh37 (hg19) VCF-style: chr10-100195408-AG-A.
Other names: NM_000195.5(HPS1):c.238del; p.Leu80fs; c.-679del (NM_001311345.2); c.238del, p.Leu80fs (NM_001322476.2, NM_001322477.2, NM_001322478.2 and 8 more transcripts); c.12del, p.Cys5fs (NM_001322483.2, NM_001322484.2, NM_001322485.2); c.-778del (NM_001322487.2); c.-536del (NM_001322489.2); short protein forms L80fs, C5fs.
Identifiers: ClinVar variation 853800 (VCV000853800.9), dbSNP rs1453977337, ClinGen allele CA595642014.